The following is an entry in ClinVar:

NM_001009944.3(PKD1):c.5905del (p.Glu1969fs)

Gene: PKD1 (polycystin 1, transient receptor potential channel interacting; minus strand). Cytogenetic location: 16p13.3.
Variant type: Deletion.
Coding change: c.5905del on transcript NM_001009944.3 (MANE Select); coding-DNA position 5905, one base deleted (G; older notation c.5905delG).
Protein change: p.Glu1969fs; shifts the reading frame from glutamic acid 1969.
Molecular consequence: frameshift variant.
Genome position (GRCh38, 1-based): chr16:2,109,262, C deleted on the plus strand (G on the coding strand, the reverse complement: PKD1 is on the minus strand); the first of 2 consecutive C bases (chr16:2,109,262-2,109,263); deleting either gives the same sequence. VCF-style (leftmost placement, unchanged base first): chr16-2109261-TC-T. GRCh37 (hg19) VCF-style: chr16-2159262-TC-T.
Other names: c.5905del, p.Glu1969fs (NM_000296.4); c.5905delG (NM_001009944.2); short protein forms E1969fs.
Identifiers: ClinVar variation 4993416 (VCV004993416.1).

ClinVar aggregate classification (germline): Pathogenic (1 of 4 stars; one submission).

Conditions:
PKD1-related disorder. Also called: PKD1-related condition.

Submission:

PreventionGenetics, part of Exact Sciences
Classification: Pathogenic for PKD1-related condition. Last evaluated: 2025-08-28. Review status: criteria provided, single submitter. Criteria: ACMG Guidelines, 2015. Collection method: clinical testing. Allele origin: germline.
Comment: The PKD1 c.5905delG variant is predicted to result in a frameshift and premature protein termination (p.Glu1969Argfs*3). To our knowledge, this variant has not been reported in the literature or in a large population database (gnomAD), indicating this variant is rare. Frameshift variants in PKD1 are expected to be pathogenic. This variant is interpreted as pathogenic.